The following is an entry in ClinVar:

NM_016579.4(CD320):c.168_171del (p.Thr57fs)

Gene: CD320 (CD320 molecule; minus strand). Cytogenetic location: 19p13.2.
Variant type: Microsatellite.
Coding change: c.168_171del on transcript NM_016579.4 (MANE Select); coding-DNA positions 168 to 171, 4 bases deleted (CACC; older notation c.168_171delCACC).
Protein change: p.Thr57fs; shifts the reading frame from threonine 57.
Molecular consequence: frameshift variant. On other transcripts: intron variant (1).
Genome position (GRCh38, 1-based): chr19:8,305,128-8,305,131, GGTG deleted on the plus strand (CACC on the coding strand, the reverse complement: CD320 is on the minus strand); deleting any 4 consecutive bases within chr19:8,305,128-8,305,137 gives the same sequence; the c. name uses the placement nearest the transcript's 3' end. VCF-style (leftmost placement, unchanged base first): chr19-8305127-TGGTG-T. GRCh37 (hg19) VCF-style: chr19-8370011-TGGTG-T.
Other names: c.143-1043_143-1040del (NM_001165895.2); short protein forms T57fs.
Identifiers: ClinVar variation 2008266 (VCV002008266.4), dbSNP rs2512598781, ClinGen allele CA2580613040.

ClinVar aggregate classification (germline): Uncertain significance (1 of 4 stars; one submission).

Conditions:
Methylmalonic acidemia due to transcobalamin receptor defect (MATR). Also called: METHYLMALONIC ACIDURIA, TRANSIENT, DUE TO TRANSCOBALAMIN RECEPTOR DEFECT; METHYLMALONIC ACIDEMIA, TCblR TYPE. Identifiers: Orphanet 280183, MedGen C4749905, MONDO:0013341, OMIM 613646.

Submission:

Labcorp Genetics (formerly Invitae), Labcorp
Classification: Uncertain significance for Methylmalonic acidemia due to transcobalamin receptor defect. Last evaluated: 2025-12-15. Review status: criteria provided, single submitter. Criteria: Invitae Variant Classification Sherloc (09022015). Collection method: clinical testing. Allele origin: germline.
Comment: This sequence change creates a premature translational stop signal (p.Thr57Serfs*76) in the CD320 gene. It is expected to result in an absent or disrupted protein product. However, the current clinical and genetic evidence is not sufficient to establish whether loss-of-function variants in CD320 cause disease. This variant is not present in population databases (gnomAD no frequency). This variant has not been reported in the literature in individuals affected with CD320-related conditions. In summary, the available evidence is currently insufficient to determine the role of this variant in disease. Therefore, it has been classified as a Variant of Uncertain Significance.